The following is an entry in ClinVar:

NM_004239.4(TRIP11):c.2303A>G (p.Asn768Ser)

Gene: TRIP11 (thyroid hormone receptor interactor 11; minus strand). Cytogenetic location: 14q32.12.
Variant type: single nucleotide variant.
Coding change: c.2303A>G on transcript NM_004239.4 (MANE Select); coding-DNA position 2303, A replaced by G.
Protein change: p.Asn768Ser; replaces asparagine 768 with serine.
Molecular consequence: missense variant.
Genome position (GRCh38, 1-based): chr14:92,005,673, T>C on the plus strand (A>G on the coding strand, the complement: TRIP11 is on the minus strand). VCF-style: chr14-92005673-T-C. GRCh37 (hg19) VCF-style: chr14-92472017-T-C.
Other names: c.2303A>G (NM_004239.3); c.2300A>G, p.Asn767Ser (NM_001321851.1); short protein forms N767S, N768S.
Identifiers: ClinVar variation 1405356 (VCV001405356.10), dbSNP rs140780067, ClinGen allele CA7313798.
Genomic context (GRCh38, chr14:92,005,673, plus strand): 5'-TCAGTATCCATTTGTTCAATATTCTTTTTGAGTTCTGCTATTTCCATGTCTTTCTTTTGA[T>C]TGAGTTTAATTAAATGCTCATGTTCCAGCTGTAAGGCAGAGGTATTCAAATTACGTGCAT-3'
Protein context (NP_004230.2, residues 758-778): QLEHEHLIKL[Asn768Ser]QKKDMEIAEL

ClinVar aggregate classification (germline): Conflicting classifications of pathogenicity. Review status: criteria provided, conflicting classifications (1 of 4 stars). 3 submissions from 3 submitters: Uncertain significance (1); Likely benign (2). Last evaluated 2025-02-22.

Conditions:
Inborn genetic diseases. Identifiers: MedGen C0950123, MeSH D030342.
Achondrogenesis, type IA (ACG1A). Identifiers: Orphanet 932, Orphanet 93299, MedGen C0265273, MONDO:0008701, OMIM 200600.

Allele frequency attached by ClinVar (database versions not stated): ExAC 0.00005; gnomAD exomes 0.00006; ESP Exome Variant Server 0.00023.
gnomAD v4.1: 189 of 1,613,706 alleles (0.012%); highest among the groups gnomAD compares: Non-Finnish European, 0.014%; no homozygotes.

Submissions (3):

Labcorp Genetics (formerly Invitae), Labcorp
Classification: Uncertain significance for Achondrogenesis, type IA. Last evaluated: 2025-02-22. Review status: criteria provided, single submitter. Criteria: Invitae Variant Classification Sherloc (09022015). Collection method: clinical testing. Allele origin: germline.
Comment: This sequence change replaces asparagine, which is neutral and polar, with serine, which is neutral and polar, at codon 768 of the TRIP11 protein (p.Asn768Ser). This variant is present in population databases (rs140780067, gnomAD 0.01%). This variant has not been reported in the literature in individuals affected with TRIP11-related conditions. ClinVar contains an entry for this variant (Variation ID: 1405356). Invitae Evidence Modeling of protein sequence and biophysical properties (such as structural, functional, and spatial information, amino acid conservation, physicochemical variation, residue mobility, and thermodynamic stability) indicates that this missense variant is not expected to disrupt TRIP11 protein function with a negative predictive value of 80%. In summary, the available evidence is currently insufficient to determine the role of this variant in disease. Therefore, it has been classified as a Variant of Uncertain Significance.

Blueprint Genetics
Classification: Likely benign. Last evaluated: 2024-09-20. Review status: criteria provided, single submitter. Criteria: ACMG Guidelines, 2015. Collection method: clinical testing. Allele origin: germline.

Ambry Genetics
Classification: Likely benign for Inborn genetic diseases. Last evaluated: 2022-08-08. Review status: criteria provided, single submitter. Criteria: Ambry Variant Classification Scheme 2023. Collection method: clinical testing. Allele origin: germline.